The following is an entry in ClinVar:

NM_005529.7(HSPG2):c.1759C>T (p.Arg587Cys)

Gene: HSPG2 (heparan sulfate proteoglycan 2; minus strand). Cytogenetic location: 1p36.12.
Variant type: single nucleotide variant.
Coding change: c.1759C>T on transcript NM_005529.7 (MANE Select); coding-DNA position 1759, C replaced by T.
Protein change: p.Arg587Cys; replaces arginine 587 with cysteine.
Molecular consequence: missense variant.
Genome position (GRCh38, 1-based): chr1:21,881,398, G>A on the plus strand (C>T on the coding strand, the complement: HSPG2 is on the minus strand). VCF-style: chr1-21881398-G-A. GRCh37 (hg19) VCF-style: chr1-22207891-G-A.
Other names: c.1762C>T, p.Arg588Cys (NM_001291860.2); short protein forms R587C, R588C.
Identifiers: ClinVar variation 994364 (VCV000994364.16), dbSNP rs1386810012, ClinGen allele CA338966317.

ClinVar aggregate classification (germline): Uncertain significance. Review status: criteria provided, multiple submitters, no conflicts (2 of 4 stars). 2 submissions from 2 submitters: Uncertain significance (2). Last evaluated 2021-04-10.

Allele frequency attached by ClinVar (database versions not stated): gnomAD exomes below 0.00001; gnomAD 0.00001.
gnomAD v4.1: 6 of 1,614,038 alleles (0.00037%); highest among the groups gnomAD compares: South Asian, 0.0011%; no homozygotes.

Submissions (2):

Labcorp Genetics (formerly Invitae), Labcorp
Classification: Uncertain significance. Last evaluated: 2021-04-10. Review status: criteria provided, single submitter. Criteria: Invitae Variant Classification Sherloc (09022015). Collection method: clinical testing. Allele origin: germline.
Comment: This sequence change replaces arginine with cysteine at codon 587 of the HSPG2 protein (p.Arg587Cys). The arginine residue is moderately conserved and there is a large physicochemical difference between arginine and cysteine. In summary, the available evidence is currently insufficient to determine the role of this variant in disease. Therefore, it has been classified as a Variant of Uncertain Significance. Algorithms developed to predict the effect of missense changes on protein structure and function are either unavailable or do not agree on the potential impact of this missense change (SIFT: "Tolerated"; PolyPhen-2: "Probably Damaging"; Align-GVGD: "Class C0"). This variant has not been reported in the literature in individuals with HSPG2-related conditions. ClinVar contains an entry for this variant (Variation ID: 994364). This variant is not present in population databases (ExAC no frequency).

ARUP Laboratories, Molecular Genetics and Genomics, ARUP Laboratories
Classification: Uncertain significance. Last evaluated: 2020-07-02. Review status: criteria provided, single submitter. Criteria: ARUP Molecular Germline Variant Investigation Process. Collection method: clinical testing. Allele origin: germline.
Comment: The HSPG2 c.1759C>T; p.Arg587Cys variant (rs1386810012), to our knowledge, is not reported in the medical literature or gene specific databases. This variant is only observed on two alleles in the Genome Aggregation Database, indicating it is not a common polymorphism. The arginine at codon 587 is moderately conserved, and computational analyses (SIFT, PolyPhen-2) predict that this variant is deleterious. Due to limited information, the clinical significance of the p.Arg587Cys variant is uncertain at this time.